The following is an entry in ClinVar:

NM_001012339.3(DNAJC21):c.971A>G (p.Lys324Arg)

Gene: DNAJC21 (DnaJ heat shock protein family (Hsp40) member C21; plus strand). Cytogenetic location: 5p13.2.
Variant type: single nucleotide variant.
Coding change: c.971A>G on transcript NM_001012339.3 (MANE Select); coding-DNA position 971, A replaced by G.
Protein change: p.Lys324Arg; replaces lysine 324 with arginine.
Molecular consequence: missense variant.
Genome position (GRCh38, 1-based): chr5:34,941,171, A>G. VCF-style: chr5-34941171-A-G. GRCh37 (hg19) VCF-style: chr5-34941276-A-G.
Other names: c.971A>G, p.Lys324Arg (NM_001348420.2, NM_194283.4); short protein forms K324R.
Identifiers: ClinVar variation 2854652 (VCV002854652.3), dbSNP rs2480616164, ClinGen allele CA359416851.
Genomic context (GRCh38, chr5:34,941,171, plus strand): 5'-AGGCCGAGGACGCTGAGCTCTATGATGACCTTTACTGCCCAGCATGTGACAAATCGTTCA[A>G]GACAGAAAAGGCGTAAGTTTATTAATTTAATTTAATTTAATTTTGAGACAGGGTCTCACT-3'
Protein context (NP_001012339.2, residues 314-334): LYCPACDKSF[Lys324Arg]TEKAMKNHEK

ClinVar aggregate classification (germline): Uncertain significance (1 of 4 stars; one submission).

Submission:

Labcorp Genetics (formerly Invitae), Labcorp
Classification: Uncertain significance. Last evaluated: 2023-04-10. Review status: criteria provided, single submitter. Criteria: Invitae Variant Classification Sherloc (09022015). Collection method: clinical testing. Allele origin: germline.
Comment: In summary, the available evidence is currently insufficient to determine the role of this variant in disease. Therefore, it has been classified as a Variant of Uncertain Significance. Algorithms developed to predict the effect of missense changes on protein structure and function output the following: SIFT: "Not Available"; PolyPhen-2: "Possibly Damaging"; Align-GVGD: "Not Available". The arginine amino acid residue is found in multiple mammalian species, which suggests that this missense change does not adversely affect protein function. This variant has not been reported in the literature in individuals affected with DNAJC21-related conditions. This variant is not present in population databases (gnomAD no frequency). This sequence change replaces lysine, which is basic and polar, with arginine, which is basic and polar, at codon 324 of the DNAJC21 protein (p.Lys324Arg).